The following is an entry in ClinVar:

NM_024757.5(EHMT1):c.325G>A (p.Val109Ile)

Gene: EHMT1 (euchromatic histone lysine methyltransferase 1; plus strand). Cytogenetic location: 9q34.3.
Variant type: single nucleotide variant.
Coding change: c.325G>A on transcript NM_024757.5 (MANE Select); coding-DNA position 325, G replaced by A.
Protein change: p.Val109Ile; replaces valine 109 with isoleucine.
Molecular consequence: missense variant.
Genome position (GRCh38, 1-based): chr9:137,716,865, G>A. VCF-style: chr9-137716865-G-A. GRCh37 (hg19) VCF-style: chr9-140611317-G-A.
Other names: c.325G>A, p.Val109Ile (NM_001145527.2, NM_001354263.2, NM_001354611.2); c.232G>A, p.Val78Ile (NM_001354259.2, NM_001354612.2); short protein forms V109I, V78I.
Identifiers: ClinVar variation 833686 (VCV000833686.17), dbSNP rs199703555, ClinGen allele CA5374268.
Genomic context (GRCh38, chr9:137,716,865, plus strand): 5'-ACTCGGATAGCGGAAAATGGGGTTTCAGAAAGAGACTCAGAAGCGGCGAAGCAAAACCAC[G>A]TCACTGCCGACGACTTTGTGCAGACTTCTGTCATCGGCAGCAACGGATACATCTTAAATA-3'
Protein context (NP_079033.4, residues 99-119): RDSEAAKQNH[Val109Ile]TADDFVQTSV

ClinVar aggregate classification (germline): Benign/Likely benign. Review status: criteria provided, multiple submitters, no conflicts (2 of 4 stars). 5 submissions from 5 submitters: Benign (2); Likely benign (3). Last evaluated 2025-12-05.

Conditions:
Inborn genetic diseases. Identifiers: MedGen C0950123, MeSH D030342.
EHMT1-related disorder. Also called: EHMT1-related condition.
Kleefstra syndrome 1 (KLEFS1). Identifiers: Orphanet 261494, MedGen C0795833, MONDO:0027407, OMIM 610253.

Allele frequency attached by ClinVar (database versions not stated): gnomAD 0.00003; gnomAD exomes 0.00004 and 0.00006; TOPMed 0.00007; ExAC 0.00009; ESP Exome Variant Server 0.00023.
gnomAD v4.1: 64 of 1,613,158 alleles (0.004%); highest among the groups gnomAD compares: Non-Finnish European, 0.0044%; no homozygotes.

Submissions (5):

Labcorp Genetics (formerly Invitae), Labcorp
Classification: Benign for Kleefstra syndrome 1. Last evaluated: 2025-12-05. Review status: criteria provided, single submitter. Criteria: Invitae Variant Classification Sherloc (09022015). Collection method: clinical testing. Allele origin: germline.

Laboratory of Genetics, Children's Clinical University Hospital Latvia
Classification: Likely benign. Last evaluated: 2025-02-16. Review status: criteria provided, single submitter. Criteria: ACMG Guidelines, 2015. Collection method: clinical testing. Allele origin: germline. Affected: yes.

PreventionGenetics, part of Exact Sciences
Classification: Likely benign for EHMT1-related condition. Last evaluated: 2025-02-13. Review status: criteria provided, single submitter. Criteria: ACMG Guidelines, 2015. Collection method: clinical testing. Allele origin: germline.
Comment: This variant is classified as likely benign based on ACMG/AMP sequence variant interpretation guidelines (Richards et al. 2015 PMID: 25741868, with internal and published modifications).

GeneDx
Classification: Likely benign. Last evaluated: 2020-11-03. Review status: criteria provided, single submitter. Criteria: GeneDx Variant Classification Process June 2021. Collection method: clinical testing. Allele origin: germline. Affected: yes.

Ambry Genetics
Classification: Benign for Inborn genetic diseases. Last evaluated: 2019-10-24. Review status: criteria provided, single submitter. Criteria: Ambry Variant Classification Scheme 2023. Collection method: clinical testing. Allele origin: germline.